The following is an entry in ClinVar:

ClinVar aggregate classification (germline): Likely benign (1 of 4 stars; one submission).

Submission:

CeGaT Center for Human Genetics Tuebingen
Classification: Likely benign. Last evaluated: 2022-07-01. Review status: criteria provided, single submitter. Criteria: CeGaT Center For Human Genetics Tuebingen Variant Classification Criteria Version 2. Collection method: clinical testing. Allele origin: germline. Affected: yes. Observed: 1 variant allele.
Comment: OR1J2: PM2:Supporting, BP4, BP7

NM_054107.1(OR1J2):c.777C>T (p.Tyr259=)

Gene: OR1J2 (olfactory receptor family 1 subfamily J member 2; plus strand). Cytogenetic location: 9q33.2.
Variant type: single nucleotide variant.
Coding change: c.777C>T on transcript NM_054107.1 (MANE Select); coding-DNA position 777, C replaced by T.
Protein change: p.Tyr259=; no amino-acid change (tyrosine 259 retained).
Molecular consequence: synonymous variant.
Genome position (GRCh38, 1-based): chr9:122,511,578, C>T. VCF-style: chr9-122511578-C-T. GRCh37 (hg19) VCF-style: chr9-125273857-C-T.
Identifiers: ClinVar variation 2659484 (VCV002659484.24), dbSNP rs1828638304, ClinGen allele CA467192839.